The following is an entry in ClinVar:

NM_182961.4(SYNE1):c.20658C>G (p.Ser6886Arg)

Gene: SYNE1 (spectrin repeat containing nuclear envelope protein 1; minus strand). Cytogenetic location: 6q25.2.
Variant type: single nucleotide variant.
Coding change: c.20658C>G on transcript NM_182961.4 (MANE Select); coding-DNA position 20658, C replaced by G.
Protein change: p.Ser6886Arg; replaces serine 6886 with arginine.
Molecular consequence: missense variant.
Genome position (GRCh38, 1-based): chr6:152,233,835, G>C on the plus strand (C>G on the coding strand, the complement: SYNE1 is on the minus strand). VCF-style: chr6-152233835-G-C. GRCh37 (hg19) VCF-style: chr6-152554970-G-C.
Other names: c.20445C>G, p.Ser6815Arg (NM_033071.5); short protein forms S6815R, S6886R.
Identifiers: ClinVar variation 3750222 (VCV003750222.2).

ClinVar aggregate classification (germline): Uncertain significance (1 of 4 stars; one submission).

Conditions:
Emery-Dreifuss muscular dystrophy 4, autosomal dominant (EDMD4). Also called: EMERY-DREIFUSS MUSCULAR DYSTROPHY 4 WITH VARIABLE FEATURES. Identifiers: Orphanet 261, MedGen C2751807, MONDO:0013071, OMIM 612998.
Autosomal recessive ataxia, Beauce type. Also called: Spinocerebellar ataxia, autosomal recessive 8; ATAXIA, RECESSIVE, OF BEAUCE; SYNE1-Related Autosomal Recessive Cerebellar Ataxia; SYNE1 Deficiency. Identifiers: Orphanet 88644, MedGen C1853116, MONDO:0012549, OMIM 610743.

Submission:

Labcorp Genetics (formerly Invitae), Labcorp
Classification: Uncertain significance for Emery-Dreifuss muscular dystrophy 4, autosomal dominant; Autosomal recessive ataxia, Beauce type. Last evaluated: 2024-05-09. Review status: criteria provided, single submitter. Criteria: Invitae Variant Classification Sherloc (09022015). Collection method: clinical testing. Allele origin: germline.
Comment: This sequence change replaces serine, which is neutral and polar, with arginine, which is basic and polar, at codon 6815 of the SYNE1 protein (p.Ser6815Arg). This variant is not present in population databases (gnomAD no frequency). This variant has not been reported in the literature in individuals affected with SYNE1-related conditions. An algorithm developed to predict the effect of missense changes on protein structure and function (PolyPhen-2) suggests that this variant is likely to be tolerated. In summary, the available evidence is currently insufficient to determine the role of this variant in disease. Therefore, it has been classified as a Variant of Uncertain Significance.